The following is an entry in ClinVar:

NM_000441.2(SLC26A4):c.415+7A>G

Gene: SLC26A4 (solute carrier family 26 member 4; plus strand). Cytogenetic location: 7q22.3.
Variant type: single nucleotide variant.
Coding change: c.415+7A>G on transcript NM_000441.2 (MANE Select); 7 bases into the intron after coding-DNA position 415, A replaced by G.
Molecular consequence: intron variant.
Genome position (GRCh38, 1-based): chr7:107,672,255, A>G. VCF-style: chr7-107672255-A-G. GRCh37 (hg19) VCF-style: chr7-107312700-A-G.
Other names: IVS4DS, A-G, +7.
Identifiers: ClinVar variation 4828 (VCV000004828.7), dbSNP rs765884316, ClinGen allele CA4432448.

ClinVar aggregate classification (germline): Pathogenic/Likely pathogenic. Review status: criteria provided, multiple submitters, no conflicts (2 of 4 stars). 5 submissions from 5 submitters: Pathogenic (2); Likely pathogenic (2). 1 of the submissions does not count toward it. Last evaluated 2026-03-04.

Conditions:
Autosomal recessive nonsyndromic hearing loss 4 (DFNB4). Also called: DEAFNESS, AUTOSOMAL RECESSIVE 4, WITH ENLARGED VESTIBULAR AQUEDUCT, DIGENIC; Nonsyndromic enlarged vestibular aqueduct (NSEVA); Deafness, autosomal recessive 4; Deafness, autosomal recessive 4, with enlarged vestibular aqueduct; FOXI1-Related Pendred Syndrome; KCNJ10-Related Pendred Syndrome. Identifiers: Orphanet 90636, MedGen C3538946, MONDO:0010933, OMIM 600791.
Pendred syndrome (PDS). Also called: Pendred's syndrome; Pendred Syndrome (PDS); THYROID DYSHORMONOGENESIS 2B; THYROID HORMONOGENESIS, GENETIC DEFECT IN, 2B; DEAFNESS WITH GOITER; GOITER-DEAFNESS SYNDROME. Identifiers: Orphanet 705, MedGen C0271829, MONDO:0010134, OMIM 274600.

Allele frequency attached by ClinVar (database versions not stated): gnomAD exomes below 0.00001 and 0.00001; ExAC 0.00001.
gnomAD v4.1: 2 of 1,517,218 alleles (0.00013%); highest among the groups gnomAD compares: Admixed American, 0.0033%; no homozygotes.

Submissions (5):

Myriad Genetics, Inc.
Classification: Likely pathogenic for Pendred syndrome. Last evaluated: 2026-03-04. Review status: criteria provided, single submitter. Criteria: Myriad Autosomal Dominant, Autosomal Recessive and X-Linked Classification Criteria (2023). Collection method: clinical testing. Allele origin: unknown.
Comment: NM_000441.1(SLC26A4):c.415+7A>G is an intronic variant classified as likely pathogenic in the context of Pendred syndrome. c.415+7A>G has been observed in cases with relevant disease (PMID: 10571950, 25372295, 31564438, 35982127, 36633841 ). Relevant functional assessments of this variant are available in the literature (PMID: 10571950). c.415+7A>G has been observed in referenced population frequency databases. In summary, NM_000441.1(SLC26A4):c.415+7A>G is an intronic variant that has functional support for pathogenicity and has been observed more frequently in cases with the relevant disease than in healthy populations. Please note: this variant was assessed in the context of healthy population screening.

Natera, Inc.
Classification: Likely pathogenic for Pendred syndrome. Last evaluated: 2025-02-14. Review status: criteria provided, single submitter. Criteria: Natera Variant Classification Schema (03/2026). Collection method: clinical testing. Allele origin: germline.
Comment: The c.415+7A>G variant in SLC26A4 is an intronic variant located outside the canonical splice sites. This variant is rare in the general population with a frequency below the threshold expected for the associated phenotype(s). This variant has been observed in one or more individuals affected with the associated recessive disease, as either homozygous or compound heterozygous with a second variant (PMID: 10571950, 25372295). Additionally, this variant has been observed to segregate in affected family members (PMID: 10571950). Functional studies show that this variant may disrupt protein function (PMID: 10571950). Computational prediction algorithms indicate this variant is likely to affect gene or protein function. Given the available evidence, this variant is classified as Likely Pathogenic.

Labcorp Genetics (formerly Invitae), Labcorp
Classification: Pathogenic. Last evaluated: 2023-04-25. Review status: criteria provided, single submitter. Criteria: Invitae Variant Classification Sherloc (09022015). Collection method: clinical testing. Allele origin: germline.
Comment: For these reasons, this variant has been classified as Pathogenic. Algorithms developed to predict the effect of sequence changes on RNA splicing suggest that this variant may disrupt the consensus splice site. ClinVar contains an entry for this variant (Variation ID: 4828). This variant is also known as 639+7A>G. This variant has been observed in individual(s) with SLC26A4-related conditions (PMID: 10571950, 22509691, 36633841). It has also been observed to segregate with disease in related individuals. This variant is present in population databases (rs765884316, gnomAD 0.006%). This sequence change falls in intron 4 of the SLC26A4 gene. It does not directly change the encoded amino acid sequence of the SLC26A4 protein.

King Laboratory, University of Washington
Classification: Pathogenic for Autosomal recessive nonsyndromic hearing loss 4. Last evaluated: 2023-02-28. Review status: criteria provided, single submitter. Criteria: Li et al. (Genet Med. 2022). Collection method: research. Allele origin: unknown. Affected: yes.
Comment: This variant is a single base pair substitution that is predicted to alter splicing. In a prior publication, functional analysis of RNA from lymphocytes of affected patients showed that this variant generates a new donor splice site, leading to mRNA with an insertion of six nucleotides from intron 4 of PDS (PMID: 10571950). As of January 2023, this variant has been reported previously in an individual with Pendred Syndrome and is currently classified as pathogenic to ClinVar, and it is found in 2 heterozygous individuals on gnomAD. Based on compound heterozygosity with a known pathogenic variant, evidence from prior functional studies, and goodness of fit of genotype to phenotype, we conclude that this variant is pathogenic.

OMIM
Classification: Pathogenic for PENDRED SYNDROME. Last evaluated: 1999-01-01. Review status: no assertion criteria provided. Collection method: literature only. Allele origin: germline. Not counted in ClinVar's aggregate classification.

Literature cited by the submitters: PubMed 10571950 (cited by 5 submitters); PubMed 25372295 (cited by Myriad Genetics, Inc. and Natera, Inc.); PubMed 31564438 (cited by Myriad Genetics, Inc.); PubMed 35982127 (cited by Myriad Genetics, Inc.); PubMed 36633841 (cited by 3 submitters); PubMed 22509691 (cited by Labcorp Genetics (formerly Invitae), Labcorp).